The following is an entry in ClinVar:

NC_000009.11:g.(?_135771622)_(135810482_?)dup

Gene: TSC1 (TSC complex subunit 1; minus strand). Cytogenetic location: 9q34.13.
Variant type: Duplication.
Identifiers: ClinVar variation 1022396 (VCV001022396.6).

ClinVar aggregate classification (germline): Uncertain significance (1 of 4 stars; one submission).

Conditions:
Tuberous sclerosis 1 (TSC1). Identifiers: Orphanet 805, MedGen C1854465, MONDO:0008612, OMIM 191100.

Submission:

Labcorp Genetics (formerly Invitae), Labcorp
Classification: Uncertain significance for Tuberous sclerosis 1. Last evaluated: 2022-08-27. Review status: criteria provided, single submitter. Criteria: Invitae Variant Classification Sherloc (09022015). Collection method: clinical testing. Allele origin: germline.
Comment: In summary, the available evidence is currently insufficient to determine the role of this variant in disease. Therefore, it has been classified as a Variant of Uncertain Significance. Experimental studies and prediction algorithms are not available or were not evaluated, and the functional significance of this variant is currently unknown. This variant has not been reported in the literature in individuals affected with TSC1-related conditions. This variant results in a copy number gain of the genomic region encompassing exon(s) 2-23 of the TSC1 gene. This region includes the termination codon of the gene. This copy number gain extends beyond the assayed region for this gene and therefore may encompass additional genes. As the precise location of this event is unknown, it may be in tandem or it may be located elsewhere in the genome.